The following is an entry in ClinVar:

NM_004304.5(ALK):c.1977C>A (p.Asn659Lys)

Gene: ALK (ALK receptor tyrosine kinase; minus strand). Cytogenetic location: 2p23.2.
Variant type: single nucleotide variant.
Coding change: c.1977C>A on transcript NM_004304.5 (MANE Select); coding-DNA position 1977, C replaced by A.
Protein change: p.Asn659Lys; replaces asparagine 659 with lysine.
Molecular consequence: missense variant.
Genome position (GRCh38, 1-based): chr2:29,275,163, G>T on the plus strand (C>A on the coding strand, the complement: ALK is on the minus strand). VCF-style: chr2-29275163-G-T. GRCh37 (hg19) VCF-style: chr2-29498029-G-T.
Other names: c.1977C>A (NM_004304.4); short protein forms N659K.
Identifiers: ClinVar variation 1383216 (VCV001383216.9), dbSNP rs780562062, ClinGen allele CA1594473.

ClinVar aggregate classification (germline): Uncertain significance. Review status: criteria provided, multiple submitters, no conflicts (2 of 4 stars). 2 submissions from 2 submitters: Uncertain significance (2). Last evaluated 2025-03-04.

Conditions:
Hereditary cancer-predisposing syndrome. Also called: Tumor predisposition; Hereditary neoplastic syndrome; Neoplastic Syndromes, Hereditary; Hereditary Cancer Syndrome. Identifiers: Orphanet 140162, MedGen C0027672, MeSH D009386, MONDO:0015356.
Neuroblastoma, susceptibility to, 3. Also called: ALK-Related Neuroblastic Tumor Susceptibility. Identifiers: Orphanet 635, MedGen C2751681, MONDO:0013083, OMIM 613014.

Allele frequency attached by ClinVar (database versions not stated): ExAC 0.00001.
gnomAD v4.1: 1 of 1,614,022 alleles (0.000062%); highest among the groups gnomAD compares: African/African-American, 0.0013%; no homozygotes.

Submissions (2):

Ambry Genetics
Classification: Uncertain significance for Hereditary cancer-predisposing syndrome. Last evaluated: 2025-03-04. Review status: criteria provided, single submitter. Criteria: Ambry Variant Classification Scheme 2023. Collection method: clinical testing. Allele origin: germline.
Comment: The p.N659K variant (also known as c.1977C>A), located in coding exon 11 of the ALK gene, results from a C to A substitution at nucleotide position 1977. The asparagine at codon 659 is replaced by lysine, an amino acid with similar properties. This amino acid position is not well conserved in available vertebrate species. In addition, this alteration is predicted to be tolerated by in silico analysis. Based on the available evidence, the clinical significance of this variant remains unclear.

Labcorp Genetics (formerly Invitae), Labcorp
Classification: Uncertain significance for Neuroblastoma, susceptibility to, 3. Last evaluated: 2024-04-10. Review status: criteria provided, single submitter. Criteria: Invitae Variant Classification Sherloc (09022015). Collection method: clinical testing. Allele origin: germline.
Comment: This sequence change replaces asparagine, which is neutral and polar, with lysine, which is basic and polar, at codon 659 of the ALK protein (p.Asn659Lys). This variant is present in population databases (rs780562062, gnomAD 0.007%). This variant has not been reported in the literature in individuals affected with ALK-related conditions. ClinVar contains an entry for this variant (Variation ID: 1383216). An algorithm developed to predict the effect of missense changes on protein structure and function (PolyPhen-2) suggests that this variant is likely to be tolerated. In summary, the available evidence is currently insufficient to determine the role of this variant in disease. Therefore, it has been classified as a Variant of Uncertain Significance.